The following is an entry in ClinVar:

NM_016373.4(WWOX):c.1132_1133delinsTG (p.Asn378Cys)

Genes: MAF (MAF bZIP transcription factor; minus strand), WWOX (WW domain containing oxidoreductase; plus strand). Cytogenetic location: 16q23.2.
Variant type: Indel.
Coding change: c.1132_1133delinsTG on transcript NM_016373.4 (MANE Select); coding-DNA positions 1132 to 1133, AA replaced by TG.
Protein change: p.Asn378Cys; replaces asparagine 378 with cysteine.
Molecular consequence: missense variant.
Genome position (GRCh38, 1-based): chr16:79,211,683-79,211,684, AA replaced by TG. VCF-style: chr16-79211683-AA-TG. GRCh37 (hg19) VCF-style: chr16-79245580-AA-TG.
Other names: c.793_794delinsTG, p.Asn265Cys (NM_001291997.2); short protein forms N265C, N378C.
Identifiers: ClinVar variation 839154 (VCV000839154.8), dbSNP rs2051758116, ClinGen allele CA916083505.
Genomic context (GRCh38, chr16:79,211,683, plus strand): 5'-ACCACCGTGTACTGTGCTGCTGTCCCAGAACTGGAGGGTCTGGGAGGGATGTACTTCAAC[AA>TG]CTGCTGCCGCTGCATGCCCTCACCAGAAGCTCAGAGCGAAGAGACGGCCCGGACCCTGTG-3'
Protein context (NP_057457.1, residues 368-388): LEGLGGMYFN[Asn378Cys]CCRCMPSPEA

ClinVar aggregate classification (germline): Uncertain significance (1 of 4 stars; one submission).

Conditions:
Developmental and epileptic encephalopathy, 1 (DEE1). Also called: INFANTILE SPASM SYNDROME, X-LINKED 1; Epileptic encephalopathy, early infantile, 1; X-linked infantile spasms; West's syndrome; Tonic spasms with clustering, arrest of psychomotor development and hypsarrhythmia on EEG; X-Linked Infantile Spasm Syndrome. Identifiers: MedGen C3463992, MONDO:0010632, OMIM 308350. Disease mechanism: loss of function.
Autosomal recessive spinocerebellar ataxia 12. Also called: SPINOCEREBELLAR ATAXIA WITH MENTAL RETARDATION AND EPILEPSY. Identifiers: Orphanet 284282, MedGen C3280452, MONDO:0013687, OMIM 614322.

Submission:

Labcorp Genetics (formerly Invitae), Labcorp
Classification: Uncertain significance for Developmental and epileptic encephalopathy, 1; Autosomal recessive spinocerebellar ataxia 12. Last evaluated: 2020-03-03. Review status: criteria provided, single submitter. Criteria: Invitae Variant Classification Sherloc (09022015). Collection method: clinical testing. Allele origin: germline.
Comment: In summary, the available evidence is currently insufficient to determine the role of this variant in disease. Therefore, it has been classified as a Variant of Uncertain Significance. Algorithms developed to predict the effect of missense changes on protein structure and function are either unavailable or do not agree on the potential impact of this missense change (SIFT: "Deleterious"; PolyPhen-2: "Possibly Damaging"; Align-GVGD: "Class C0"). This variant has not been reported in the literature in individuals with WWOX-related conditions. This variant is not present in population databases (ExAC no frequency). This sequence change replaces asparagine with cysteine at codon 378 of the WWOX protein (p.Asn378Cys). The asparagine residue is weakly conserved and there is a moderate physicochemical difference between asparagine and cysteine.